The following is an entry in ClinVar:

NM_003172.4(SURF1):c.897del (p.Val300fs)

Gene: SURF1 (SURF1 cytochrome c oxidase assembly factor; minus strand). Cytogenetic location: 9q34.2.
Variant type: Deletion.
Coding change: c.897del on transcript NM_003172.4 (MANE Select); coding-DNA position 897, one base deleted (T; older notation c.897delT).
Protein change: p.Val300fs; shifts the reading frame from valine 300.
Molecular consequence: frameshift variant.
Genome position (GRCh38, 1-based): chr9:133,351,919, A deleted on the plus strand (T on the coding strand, the reverse complement: SURF1 is on the minus strand). VCF-style (leftmost placement, unchanged base first): chr9-133351918-CA-C. GRCh37 (hg19) VCF-style: chr9-136218773-CA-C.
Other names: c.570del, p.Val191fs (NM_001280787.1); short protein forms V300fs, V191fs.
Identifiers: ClinVar variation 496204 (VCV000496204.7), dbSNP rs782010013, ClinGen allele CA200831862.

ClinVar aggregate classification (germline): Uncertain significance. Review status: criteria provided, multiple submitters, no conflicts (2 of 4 stars). 2 submissions from 2 submitters: Uncertain significance (2). Last evaluated 2024-11-11.

Conditions:
Leigh syndrome (NULS). Also called: Leigh Syndrome (mtDNA deletion); Leigh Disease; Subacute necrotizing encephalopathy; Necrotizing encephalopathy infantile subacute of Leigh; LEIGH SYNDROME, NUCLEAR; Leigh's necrotizing encephalopathy. Identifiers: Orphanet 506, MedGen C2931891, MONDO:0009723, OMIM 256000.

Allele frequency attached by ClinVar (database versions not stated): gnomAD exomes below 0.00001; ExAC 0.00001; TOPMed 0.00001; gnomAD 0.00002.

Submissions (2):

Labcorp Genetics (formerly Invitae), Labcorp
Classification: Uncertain significance for Leigh syndrome. Last evaluated: 2024-11-11. Review status: criteria provided, single submitter. Criteria: Invitae Variant Classification Sherloc (09022015). Collection method: clinical testing. Allele origin: germline.
Comment: This sequence change results in a frameshift in the SURF1 gene (p.Val300Cysfs*). While this is not anticipated to result in nonsense mediated decay, it is expected to disrupt the last 1 amino acid(s) of the SURF1 protein and extend the protein by an uncertain number of additional amino acid residues. This variant is present in population databases (rs782010013, gnomAD 0.008%). This variant has not been reported in the literature in individuals affected with SURF1-related conditions. ClinVar contains an entry for this variant (Variation ID: 496204). Experimental studies and prediction algorithms are not available or were not evaluated, and the functional significance of this variant is currently unknown. In summary, the available evidence is currently insufficient to determine the role of this variant in disease. Therefore, it has been classified as a Variant of Uncertain Significance.

Women's Health and Genetics/Laboratory Corporation of America, LabCorp
Classification: Uncertain significance. Last evaluated: 2017-02-06. Review status: criteria provided, single submitter. Criteria: LabCorp Variant Classification Summary - May 2015. Collection method: clinical testing. Allele origin: germline.
Comment: Variant summary: The SURF1 c.897delT (p.Val300Cysfs) variant results in a deletion of one nucleotide located at the C-terminal end of the protein leading loss of the original STOP codon and extension of the protein. Mutation taster predicts a benign outcome for this variant. This variant was found in 1/111248 control chromosomes at a frequency of 0.000009, which does not exceed the estimated maximal expected allele frequency of a pathogenic SURF1 variant (0.0017678). The variant of interest has not, to our knowledge, been reported in affected individuals via publications and/or reputable databases/clinical diagnostic laboratories; nor evaluated for functional impact by in vivo/vitro studies. Because of the absence of clinical information and the lack of functional studies, the variant is classified as a variant of uncertain significance (VUS) until additional information becomes available.